The following is an entry in ClinVar:

ClinVar aggregate classification (germline): Likely pathogenic (1 of 4 stars; one submission).

Submission:

GeneDx
Classification: Likely pathogenic. Last evaluated: 2022-08-19. Review status: criteria provided, single submitter. Criteria: GeneDx Variant Classification Process June 2021. Collection method: clinical testing. Allele origin: germline. Affected: yes.
Comment: Has not been previously published as pathogenic or benign to our knowledge; Not observed in large population cohorts (gnomAD); This substitution is predicted to be within the transmembrane segment S6 of the first homologous domain; In silico analysis supports that this missense variant has a deleterious effect on protein structure/function

NM_001127222.2(CACNA1A):c.1072G>A (p.Val358Met)

Genes: CACNA1A (calcium voltage-gated channel subunit alpha1 A; minus strand), LOC126862866 (MED14-independent group 3 enhancer GRCh37_chr19:13445719-13446918; plus strand). Cytogenetic location: 19p13.13.
Variant type: single nucleotide variant.
Coding change: c.1072G>A on transcript NM_001127222.2 (MANE Select); coding-DNA position 1072, G replaced by A.
Protein change: p.Val358Met; replaces valine 358 with methionine.
Molecular consequence: missense variant.
Genome position (GRCh38, 1-based): chr19:13,335,816, C>T on the plus strand (G>A on the coding strand, the complement: CACNA1A is on the minus strand). VCF-style: chr19-13335816-C-T. GRCh37 (hg19) VCF-style: chr19-13446630-C-T.
Other names: c.1072G>A, p.Val358Met (NM_000068.4, NM_001127221.2, NM_001174080.2 and 1 more transcripts); short protein forms V358M.
Identifiers: ClinVar variation 1311484 (VCV001311484.3), dbSNP rs2145140145, ClinGen allele CA404346679.